The following is an entry in ClinVar:

NM_005430.4(WNT1):c.384C>A (p.Phe128Leu)

Gene: WNT1 (Wnt family member 1; plus strand). Cytogenetic location: 12q13.12.
Variant type: single nucleotide variant.
Coding change: c.384C>A on transcript NM_005430.4 (MANE Select); coding-DNA position 384, C replaced by A.
Protein change: p.Phe128Leu; replaces phenylalanine 128 with leucine.
Molecular consequence: missense variant.
Genome position (GRCh38, 1-based): chr12:48,980,449, C>A. VCF-style: chr12-48980449-C-A. GRCh37 (hg19) VCF-style: chr12-49374232-C-A.
Other names: c.384C>A (NM_005430.3); short protein forms F128L.
Identifiers: ClinVar variation 1471139 (VCV001471139.10), dbSNP rs2137624247, ClinGen allele CA384630560.

ClinVar aggregate classification (germline): Uncertain significance. Review status: criteria provided, single submitter (1 of 4 stars). 2 submissions from 2 submitters: Uncertain significance (1). 1 of the submissions does not count toward it. Last evaluated 2025-08-11.

Conditions:
WNT1-related disorder. Also called: WNT1-related condition.

Submissions (2):

Labcorp Genetics (formerly Invitae), Labcorp
Classification: Uncertain significance. Last evaluated: 2025-08-11. Review status: criteria provided, single submitter. Criteria: Invitae Variant Classification Sherloc (09022015). Collection method: clinical testing. Allele origin: germline.
Comment: This sequence change replaces phenylalanine, which is neutral and non-polar, with leucine, which is neutral and non-polar, at codon 128 of the WNT1 protein (p.Phe128Leu). This variant is not present in population databases (gnomAD no frequency). This variant has not been reported in the literature in individuals affected with WNT1-related conditions. ClinVar contains an entry for this variant (Variation ID: 1471139). Invitae Evidence Modeling of protein sequence and biophysical properties (such as structural, functional, and spatial information, amino acid conservation, physicochemical variation, residue mobility, and thermodynamic stability) indicates that this missense variant is not expected to disrupt WNT1 protein function with a negative predictive value of 80%. In summary, the available evidence is currently insufficient to determine the role of this variant in disease. Therefore, it has been classified as a Variant of Uncertain Significance.

PreventionGenetics, part of Exact Sciences
Classification: Uncertain significance for WNT1-related condition. Last evaluated: 2024-02-28. Review status: no assertion criteria provided. Collection method: clinical testing. Allele origin: germline. Not counted in ClinVar's aggregate classification.
Comment: The WNT1 c.384C>A variant is predicted to result in the amino acid substitution p.Phe128Leu. To our knowledge, this variant has not been reported in the literature or in a large population database, indicating this variant is rare. A different variant affecting the same amino acid (p.Phe128Val) was reported in one individual with osteogenesis imperfecta along with a second potentially causative variant (Table S1, Li. 2019. PubMed ID: 30715774). Although we suspect that this variant may be pathogenic, at this time, the clinical significance of this variant is uncertain due to the absence of conclusive functional and genetic evidence.